The following is an entry in ClinVar:

ClinVar aggregate classification (germline): Uncertain significance (1 of 4 stars; one submission).

Submission:

Labcorp Genetics (formerly Invitae), Labcorp
Classification: Uncertain significance. Last evaluated: 2024-01-02. Review status: criteria provided, single submitter. Criteria: Invitae Variant Classification Sherloc (09022015). Collection method: clinical testing. Allele origin: germline.
Comment: This sequence change falls in intron 5 of the CLUAP1 gene. It does not directly change the encoded amino acid sequence of the CLUAP1 protein. It affects a nucleotide within the consensus splice site. This variant is not present in population databases (gnomAD no frequency). This variant has not been reported in the literature in individuals affected with CLUAP1-related conditions. Variants that disrupt the consensus splice site are a relatively common cause of aberrant splicing (PMID: 17576681, 9536098). Algorithms developed to predict the effect of sequence changes on RNA splicing suggest that this variant may disrupt the consensus splice site. In summary, the available evidence is currently insufficient to determine the role of this variant in disease. Therefore, it has been classified as a Variant of Uncertain Significance.

Literature cited by the submitters: PubMed 17576681; PubMed 9536098.

NM_015041.3(CLUAP1):c.495+3A>T

Gene: CLUAP1 (clusterin associated protein 1; plus strand). Cytogenetic location: 16p13.3.
Variant type: single nucleotide variant.
Coding change: c.495+3A>T on transcript NM_015041.3 (MANE Select); 3 bases into the intron after coding-DNA position 495, A replaced by T.
Molecular consequence: intron variant.
Genome position (GRCh38, 1-based): chr16:3,512,481, A>T. VCF-style: chr16-3512481-A-T. GRCh37 (hg19) VCF-style: chr16-3562481-A-T.
Other names: c.495+3A>T (NM_001330454.2); c.-4+2512A>T (NM_024793.3).
Identifiers: ClinVar variation 2859128 (VCV002859128.3), dbSNP rs2037648629, ClinGen allele CA2739269963.